The following is an entry in ClinVar:

NM_000179.3(MSH6):c.3071G>C (p.Arg1024Pro)

Gene: MSH6 (mutS homolog 6; plus strand). Cytogenetic location: 2p16.3.
Variant type: single nucleotide variant.
Coding change: c.3071G>C on transcript NM_000179.3 (MANE Select); coding-DNA position 3071, G replaced by C.
Protein change: p.Arg1024Pro; replaces arginine 1024 with proline.
Molecular consequence: missense variant.
Genome position (GRCh38, 1-based): chr2:47,801,054, G>C. VCF-style: chr2-47801054-G-C. GRCh37 (hg19) VCF-style: chr2-48028193-G-C.
Other names: c.2681G>C, p.Arg894Pro (NM_001281492.2); c.2165G>C, p.Arg722Pro (NM_001281493.2, NM_001281494.2); short protein forms R1024P, R894P, R722P.
Identifiers: ClinVar variation 655154 (VCV000655154.13), dbSNP rs372705506, ClinGen allele CA346756546.

ClinVar aggregate classification (germline): Uncertain significance. Review status: criteria provided, multiple submitters, no conflicts (2 of 4 stars). 2 submissions from 2 submitters: Uncertain significance (2). Last evaluated 2022-06-14.

Conditions:
Hereditary nonpolyposis colorectal neoplasms. Identifiers: MedGen C0009405, MeSH D003123.
Hereditary cancer-predisposing syndrome. Also called: Hereditary neoplastic syndrome; Tumor predisposition; Neoplastic Syndromes, Hereditary; Hereditary Cancer Syndrome. Identifiers: Orphanet 140162, MedGen C0027672, MeSH D009386, MONDO:0015356.

Submissions (2):

Labcorp Genetics (formerly Invitae), Labcorp
Classification: Uncertain significance for Hereditary nonpolyposis colorectal neoplasms. Last evaluated: 2022-06-14. Review status: criteria provided, single submitter. Criteria: Invitae Variant Classification Sherloc (09022015). Collection method: clinical testing. Allele origin: germline.
Comment: This variant has not been reported in the literature in individuals affected with MSH6-related conditions. In summary, the available evidence is currently insufficient to determine the role of this variant in disease. Therefore, it has been classified as a Variant of Uncertain Significance. Advanced modeling of protein sequence and biophysical properties (such as structural, functional, and spatial information, amino acid conservation, physicochemical variation, residue mobility, and thermodynamic stability) performed at Invitae indicates that this missense variant is expected to disrupt MSH6 protein function. ClinVar contains an entry for this variant (Variation ID: 655154). This variant is not present in population databases (gnomAD no frequency). This sequence change replaces arginine, which is basic and polar, with proline, which is neutral and non-polar, at codon 1024 of the MSH6 protein (p.Arg1024Pro).

Ambry Genetics
Classification: Uncertain significance for Hereditary cancer-predisposing syndrome. Last evaluated: 2019-06-24. Review status: criteria provided, single submitter. Criteria: Ambry Variant Classification Scheme 2023. Collection method: clinical testing. Allele origin: germline.
Comment: The p.R1024P variant (also known as c.3071G>C), located in coding exon 4 of the MSH6 gene, results from a G to C substitution at nucleotide position 3071. The arginine at codon 1024 is replaced by proline, an amino acid with dissimilar properties. This amino acid position is well conserved in available vertebrate species. In addition, this alteration is predicted to be deleterious by in silico analysis. Since supporting evidence is limited at this time, the clinical significance of this alteration remains unclear.